The following is an entry in ClinVar:

NM_014694.4(ADAMTSL2):c.690T>C (p.Ser230=)

Gene: ADAMTSL2 (ADAMTS like 2; plus strand). Cytogenetic location: 9q34.2.
Variant type: single nucleotide variant.
Coding change: c.690T>C on transcript NM_014694.4 (MANE Select); coding-DNA position 690, T replaced by C.
Protein change: p.Ser230=; no amino-acid change (serine 230 retained).
Molecular consequence: synonymous variant.
Genome position (GRCh38, 1-based): chr9:133,544,477, T>C. VCF-style: chr9-133544477-T-C. GRCh37 (hg19) VCF-style: chr9-136409599-T-C.
Other names: c.690T>C, p.Ser230= (NM_001145320.2).
Identifiers: ClinVar variation 365579 (VCV000365579.9), dbSNP rs142777315, ClinGen allele CA5312725.
Genomic context (GRCh38, chr9:133,544,477, plus strand): 5'-CCAAGGCTGCCTTTCCAATCAAGAGGGGCTCACTGTCATCCTTTTGCCTCCAGGTTACTC[T>C]CTGGTGACCCACATCCCGGCTGGTGCCCGAGACATCCAGATTGTAGAGAGGAAGAAGTCC-3'
Protein context (NP_055509.2, residues 220-240): YRKGNAHLGY[Ser230=]LVTHIPAGAR

ClinVar aggregate classification (germline): Conflicting classifications of pathogenicity. Review status: criteria provided, conflicting classifications (1 of 4 stars). 4 submissions from 4 submitters: Uncertain significance (1); Likely benign (2). 1 of the submissions does not count toward it. Last evaluated 2026-05-12.

Conditions:
Geleophysic dysplasia 1 (GPHYSD1). Also called: Geleophysic dwarfism. Identifiers: Orphanet 2623, MedGen C3278147, MONDO:0009269, OMIM 231050.
ADAMTSL2-related disorder. Also called: ADAMTSL2-related condition.

Allele frequency attached by ClinVar (database versions not stated): TOPMed 0.00045; 1000 Genomes Project 30x 0.00062; 1000 Genomes Project 0.00080; gnomAD 0.00082 and 0.00087; ExAC 0.00086; ESP Exome Variant Server 0.00115.
gnomAD v4.1: 1,276 of 1,613,978 alleles (0.079%); highest among the groups gnomAD compares: Non-Finnish European, 0.082%; 3 homozygotes.

Submissions (4):

Women's Health and Genetics/Laboratory Corporation of America, LabCorp
Classification: Likely benign. Last evaluated: 2026-05-12. Review status: criteria provided, single submitter. Criteria: LabCorp Variant Classification Summary - May 2015. Collection method: clinical testing. Allele origin: germline.

Blueprint Genetics
Classification: Likely benign. Last evaluated: 2024-11-19. Review status: criteria provided, single submitter. Criteria: ACMG Guidelines, 2015. Collection method: clinical testing. Allele origin: germline.

Illumina Laboratory Services, Illumina
Classification: Uncertain significance for Geleophysic dysplasia 1. Last evaluated: 2018-01-13. Review status: criteria provided, single submitter. Criteria: ICSL Variant Classification Criteria 13 December 2019. Collection method: clinical testing. Allele origin: germline.

PreventionGenetics, part of Exact Sciences
Classification: Likely benign for ADAMTSL2-related condition. Last evaluated: 2023-05-10. Review status: no assertion criteria provided. Collection method: clinical testing. Allele origin: germline. Not counted in ClinVar's aggregate classification.
Comment: This variant is classified as likely benign based on ACMG/AMP sequence variant interpretation guidelines (Richards et al. 2015 PMID: 25741868, with internal and published modifications).